The following is an entry in ClinVar:

ClinVar aggregate classification (germline): Uncertain significance (1 of 4 stars; one submission).

Conditions:
Paget disease of bone 2, early-onset (PDB2). Also called: Paget disease of bone 2. Identifiers: MedGen C4085251, MONDO:0011183, OMIM 602080.
Frontotemporal dementia and/or amyotrophic lateral sclerosis 1 (FTDALS1). Also called: Frontotemporal dementia with motor neuron disease 1; C9orf72 Frontotemporal Dementia and/or Amyotrophic Lateral Sclerosis. Identifiers: Orphanet 275872, MedGen C5779877, MONDO:0007105, OMIM 105550.

Submission:

Labcorp Genetics (formerly Invitae), Labcorp
Classification: Uncertain significance for Paget disease of bone 2, early-onset; Frontotemporal dementia and/or amyotrophic lateral sclerosis 1. Last evaluated: 2024-12-06. Review status: criteria provided, single submitter. Criteria: Invitae Variant Classification Sherloc (09022015). Collection method: clinical testing. Allele origin: germline.
Comment: This sequence change replaces alanine, which is neutral and non-polar, with glutamic acid, which is acidic and polar, at codon 38 of the SQSTM1 protein (p.Ala38Glu). This variant is not present in population databases (gnomAD no frequency). This variant has not been reported in the literature in individuals affected with SQSTM1-related conditions. ClinVar contains an entry for this variant (Variation ID: 1041910). An algorithm developed to predict the effect of missense changes on protein structure and function (PolyPhen-2) suggests that this variant is likely to be disruptive. In summary, the available evidence is currently insufficient to determine the role of this variant in disease. Therefore, it has been classified as a Variant of Uncertain Significance.

NM_003900.5(SQSTM1):c.113C>A (p.Ala38Glu)

Gene: SQSTM1 (sequestosome 1; plus strand). Cytogenetic location: 5q35.3.
Variant type: single nucleotide variant.
Coding change: c.113C>A on transcript NM_003900.5 (MANE Select); coding-DNA position 113, C replaced by A.
Protein change: p.Ala38Glu; replaces alanine 38 with glutamic acid.
Molecular consequence: missense variant. On other transcripts: intron variant (2).
Genome position (GRCh38, 1-based): chr5:179,821,049, C>A. VCF-style: chr5-179821049-C-A. GRCh37 (hg19) VCF-style: chr5-179248049-C-A.
Other names: c.-47-1909C>A (NM_001142298.2, NM_001142299.2); short protein forms A38E.
Identifiers: ClinVar variation 1041910 (VCV001041910.8), dbSNP rs1298281008, ClinGen allele CA362442387.